The following is an entry in ClinVar:

NM_000020.3(ACVRL1):c.506del (p.Gln169fs)

Gene: ACVRL1 (activin A receptor like type 1; plus strand). Cytogenetic location: 12q13.13.
Variant type: Deletion.
Coding change: c.506del on transcript NM_000020.3 (MANE Select); coding-DNA position 506, one base deleted (A; older notation c.506delA).
Protein change: p.Gln169fs; shifts the reading frame from glutamine 169.
Molecular consequence: frameshift variant. On other transcripts: intron variant (6).
Genome position (GRCh38, 1-based): chr12:51,913,751, A deleted. VCF-style (leftmost placement, unchanged base first): chr12-51913750-CA-C. GRCh37 (hg19) VCF-style: chr12-52307534-CA-C.
Other names: c.506del, p.Gln169fs (NM_001077401.2, NM_001406487.1, NM_001406488.1 and 1 more transcripts); c.313+401del (NM_001406491.1, NM_001406490.1, NM_001406492.1 and 2 more transcripts); c.62-688del (NM_001406495.1); short protein forms Q169fs.
Identifiers: ClinVar variation 4721308 (VCV004721308.1).

ClinVar aggregate classification (germline): Pathogenic (1 of 4 stars; one submission).

Conditions:
Telangiectasia, hereditary hemorrhagic, type 2 (HHT2). Also called: ACVRL1-Related Hereditary Hemorrhagic Telangiectasia; Telangiectasia, hereditary hemorrhagic, type II. Identifiers: Orphanet 774, MedGen C1838163, MONDO:0010880, OMIM 600376. Disease mechanism: loss of function.

Submission:

Labcorp Genetics (formerly Invitae), Labcorp
Classification: Pathogenic for Telangiectasia, hereditary hemorrhagic, type 2. Last evaluated: 2025-07-29. Review status: criteria provided, single submitter. Criteria: Invitae Variant Classification Sherloc (09022015). Collection method: clinical testing. Allele origin: germline.
Comment: This sequence change creates a premature translational stop signal (p.Gln169Argfs*89) in the ACVRL1 gene. It is expected to result in an absent or disrupted protein product. Loss-of-function variants in ACVRL1 are known to be pathogenic (PMID: 15879500). This variant is not present in population databases (gnomAD no frequency). This variant has not been reported in the literature in individuals affected with ACVRL1-related conditions. For these reasons, this variant has been classified as Pathogenic.

Literature cited by the submitters: PubMed 15879500.